The following is an entry in ClinVar:

ClinVar aggregate classification (germline): Uncertain significance (1 of 4 stars; one submission).

Conditions:
Joubert syndrome. Also called: JOUBERT-BOLTSHAUSER SYNDROME; Familial aplasia of the vermis. Identifiers: Orphanet 475, MedGen C5979921, MONDO:0018772.
Meckel-Gruber syndrome. Also called: DYSENCEPHALIA SPLANCHNOCYSTICA; GRUBER SYNDROME; Dysencephalia splachnocystica. Identifiers: Orphanet 564, MedGen C0265215, MONDO:0018921.

Submission:

Labcorp Genetics (formerly Invitae), Labcorp
Classification: Uncertain significance for Joubert syndrome; Meckel-Gruber syndrome. Last evaluated: 2022-02-09. Review status: criteria provided, single submitter. Criteria: Invitae Variant Classification Sherloc (09022015). Collection method: clinical testing. Allele origin: germline.
Comment: Advanced modeling of protein sequence and biophysical properties (such as structural, functional, and spatial information, amino acid conservation, physicochemical variation, residue mobility, and thermodynamic stability) performed at Invitae indicates that this missense variant is expected to disrupt CC2D2A protein function. This variant has not been reported in the literature in individuals affected with CC2D2A-related conditions. This variant is not present in population databases (gnomAD no frequency). This sequence change replaces phenylalanine, which is neutral and non-polar, with valine, which is neutral and non-polar, at codon 1465 of the CC2D2A protein (p.Phe1465Val). In summary, the available evidence is currently insufficient to determine the role of this variant in disease. Therefore, it has been classified as a Variant of Uncertain Significance.

NM_001378615.1(CC2D2A):c.4393T>G (p.Phe1465Val)

Genes: CC2D2A (coiled-coil and C2 domain containing 2A; plus strand), FBXL5 (F-box and leucine rich repeat protein 5; minus strand). Cytogenetic location: 4p15.32.
Variant type: single nucleotide variant.
Coding change: c.4393T>G on transcript NM_001378615.1 (MANE Select); coding-DNA position 4393, T replaced by G.
Protein change: p.Phe1465Val; replaces phenylalanine 1465 with valine.
Molecular consequence: missense variant.
Genome position (GRCh38, 1-based): chr4:15,596,163, T>G. VCF-style: chr4-15596163-T-G. GRCh37 (hg19) VCF-style: chr4-15597786-T-G.
Other names: c.4393T>G, p.Phe1465Val (NM_001080522.2); c.4246T>G, p.Phe1416Val (NM_001378617.1); short protein forms F1416V, F1465V.
Identifiers: ClinVar variation 2093158 (VCV002093158.4), dbSNP rs2475144386, ClinGen allele CA356431601.